The following is an entry in ClinVar:

NM_078480.3(PUF60):c.1399C>T (p.Arg467Cys)

Gene: PUF60 (poly(U) binding splicing factor 60; minus strand). Cytogenetic location: 8q24.3.
Variant type: single nucleotide variant.
Coding change: c.1399C>T on transcript NM_078480.3 (MANE Select); coding-DNA position 1399, C replaced by T.
Protein change: p.Arg467Cys; replaces arginine 467 with cysteine.
Molecular consequence: missense variant.
Genome position (GRCh38, 1-based): chr8:143,816,801, G>A on the plus strand (C>T on the coding strand, the complement: PUF60 is on the minus strand). VCF-style: chr8-143816801-G-A. GRCh37 (hg19) VCF-style: chr8-144898971-G-A.
Other names: c.1270C>T, p.Arg424Cys (NM_001136033.3); c.1345C>T, p.Arg449Cys (NM_001271096.2); c.1261C>T, p.Arg421Cys (NM_001271097.2); c.1396C>T, p.Arg466Cys (NM_001271098.2); c.1312C>T, p.Arg438Cys (NM_001271099.2); c.1219C>T, p.Arg407Cys (NM_001271100.2); c.1510C>T, p.Arg504Cys (NM_001362895.2, NM_001362896.2); c.1459C>T, p.Arg487Cys (NM_001362897.2); and 1 more; short protein forms R407C, R421C, R424C, R438C, R449C, R450C, R466C, R467C.
Identifiers: ClinVar variation 3057106 (VCV003057106.2), dbSNP rs1816345861, ClinGen allele CA372486069.

ClinVar aggregate classification (germline): Uncertain significance (0 of 4 stars; one submission).

Conditions:
PUF60-related disorder. Also called: PUF60-related condition.

Allele frequency attached by ClinVar (database versions not stated): gnomAD exomes below 0.00001.
gnomAD v4.1: 1 of 1,613,196 alleles (0.000062%); no homozygotes.

Submission:

PreventionGenetics, part of Exact Sciences
Classification: Uncertain significance for PUF60-related condition. Last evaluated: 2024-02-06. Review status: no assertion criteria provided. Collection method: clinical testing. Allele origin: germline.
Comment: The PUF60 c.1399C>T variant is predicted to result in the amino acid substitution p.Arg467Cys. To our knowledge, this variant has not been reported in the literature or in a large population database, indicating this variant is rare. At this time, the clinical significance of this variant is uncertain due to the absence of conclusive functional and genetic evidence.